The following is an entry in ClinVar:

ClinVar aggregate classification (germline): Uncertain significance (1 of 4 stars; one submission).

gnomAD v4.1: 5 of 1,614,014 alleles (0.00031%); highest among the groups gnomAD compares: Non-Finnish European, 0.00042%; no homozygotes.

Submission:

Labcorp Genetics (formerly Invitae), Labcorp
Classification: Uncertain significance. Last evaluated: 2024-09-21. Review status: criteria provided, single submitter. Criteria: Invitae Variant Classification Sherloc (09022015). Collection method: clinical testing. Allele origin: germline.
Comment: This sequence change creates a premature translational stop signal (p.Arg117*) in the LRRC8A gene. It is expected to result in an absent or disrupted protein product. However, the current clinical and genetic evidence is not sufficient to establish whether loss-of-function variants in LRRC8A cause disease. This variant is present in population databases (no rsID available, gnomAD 0.0009%). This variant has not been reported in the literature in individuals affected with LRRC8A-related conditions. In summary, the available evidence is currently insufficient to determine the role of this variant in disease. Therefore, it has been classified as a Variant of Uncertain Significance.

NM_019594.4(LRRC8A):c.349C>T (p.Arg117Ter)

Gene: LRRC8A (leucine rich repeat containing 8 VRAC subunit A; plus strand). Cytogenetic location: 9q34.11.
Variant type: single nucleotide variant.
Coding change: c.349C>T on transcript NM_019594.4 (MANE Select); coding-DNA position 349, C replaced by T.
Protein change: p.Arg117Ter; replaces arginine 117 with a stop codon.
Molecular consequence: nonsense.
Genome position (GRCh38, 1-based): chr9:128,907,513, C>T. VCF-style: chr9-128907513-C-T. GRCh37 (hg19) VCF-style: chr9-131669792-C-T.
Other names: c.349C>T, p.Arg117Ter (NM_001127244.2, NM_001127245.2); short protein forms R117*.
Identifiers: ClinVar variation 3621382 (VCV003621382.2).